The following is an entry in ClinVar:

NM_001271.4(CHD2):c.4279C>G (p.Pro1427Ala)

Gene: CHD2 (chromodomain helicase DNA binding protein 2; plus strand). Cytogenetic location: 15q26.1.
Variant type: single nucleotide variant.
Coding change: c.4279C>G on transcript NM_001271.4 (MANE Select); coding-DNA position 4279, C replaced by G.
Protein change: p.Pro1427Ala; replaces proline 1427 with alanine.
Molecular consequence: missense variant.
Genome position (GRCh38, 1-based): chr15:93,004,617, C>G. VCF-style: chr15-93004617-C-G. GRCh37 (hg19) VCF-style: chr15-93547847-C-G.
Other names: short protein forms P1427A.
Identifiers: ClinVar variation 2633703 (VCV002633703.4), dbSNP rs2505607890, ClinGen allele CA393903028.

ClinVar aggregate classification (germline): Uncertain significance. Review status: criteria provided, multiple submitters, no conflicts (2 of 4 stars). 2 submissions from 2 submitters: Uncertain significance (2). Last evaluated 2023-07-12.

Conditions:
Developmental and epileptic encephalopathy 94 (DEE94). Also called: CHD2-Related Neurodevelopmental Disorders; Epileptic encephalopathy, childhood-onset. Identifiers: Orphanet 1942, Orphanet 2382, MedGen C3809278, MONDO:0014150, OMIM 615369.
CHD2-related disorder. Also called: CHD2-related condition.

gnomAD v4.1: 7 of 1,608,966 alleles (0.00044%); highest among the groups gnomAD compares: South Asian, 0.0022%; no homozygotes.

Submissions (2):

Labcorp Genetics (formerly Invitae), Labcorp
Classification: Uncertain significance for Developmental and epileptic encephalopathy 94. Last evaluated: 2023-07-12. Review status: criteria provided, single submitter. Criteria: Invitae Variant Classification Sherloc (09022015). Collection method: clinical testing. Allele origin: germline.
Comment: In summary, the available evidence is currently insufficient to determine the role of this variant in disease. Therefore, it has been classified as a Variant of Uncertain Significance. An algorithm developed to predict the effect of missense changes on protein structure and function (PolyPhen-2) suggests that this variant is likely to be tolerated. This variant has not been reported in the literature in individuals affected with CHD2-related conditions. This sequence change replaces proline, which is neutral and non-polar, with alanine, which is neutral and non-polar, at codon 1427 of the CHD2 protein (p.Pro1427Ala). This variant is not present in population databases (gnomAD no frequency).

PreventionGenetics, part of Exact Sciences
Classification: Uncertain significance for CHD2-related condition. Last evaluated: 2023-03-27. Review status: criteria provided, single submitter. Criteria: ACMG Guidelines, 2015. Collection method: clinical testing. Allele origin: germline.
Comment: The CHD2 c.4279C>G variant is predicted to result in the amino acid substitution p.Pro1427Ala. To our knowledge, this variant has not been reported in the literature or in a large population database, indicating this variant is rare. At this time, the clinical significance of this variant is uncertain due to the absence of conclusive functional and genetic evidence.